The following is an entry in ClinVar:

ClinVar aggregate classification (germline): Benign. Review status: criteria provided, multiple submitters, no conflicts (2 of 4 stars). 12 submissions from 12 submitters: Benign (8). 4 of the submissions do not count toward it. Last evaluated 2026-03-27.

Conditions:
ALPK3-related disorder. Also called: ALPK3-related condition.
Cardiomyopathy, familial hypertrophic 27. Identifiers: MedGen C4748014, MONDO:0054838, OMIM 618052.
Cardiovascular phenotype. Identifiers: MedGen CN230736.

Allele frequency attached by ClinVar (database versions not stated): gnomAD 0.01835 and 0.01727; TOPMed 0.02005; gnomAD exomes 0.00487; 1000 Genomes Project 0.01957; ESP Exome Variant Server 0.01946; ExAC 0.00580; 1000 Genomes Project 30x 0.02171.
gnomAD v4.1: 5,317 of 1,614,056 alleles (0.33%); highest among the groups gnomAD compares: African/African-American, 5.8%; 137 homozygotes.

Submissions (12):

Molecular Diagnostic Laboratory for Inherited Cardiovascular Disease, Montreal Heart Institute
Classification: Benign. Last evaluated: 2026-03-27. Review status: criteria provided, single submitter. Criteria: ACMG Guidelines, 2015. Collection method: clinical testing. Allele origin: germline. Affected: no.

Labcorp Genetics (formerly Invitae), Labcorp
Classification: Benign. Last evaluated: 2026-02-04. Review status: criteria provided, single submitter. Criteria: Invitae Variant Classification Sherloc (09022015). Collection method: clinical testing. Allele origin: germline.

ARUP Laboratories, Molecular Genetics and Genomics, ARUP Laboratories
Classification: Benign for Cardiomyopathy, familial hypertrophic 27. Last evaluated: 2025-06-02. Review status: criteria provided, single submitter. Criteria: ARUP Molecular Germline Variant Investigation Process 2024. Collection method: clinical testing. Allele origin: germline.

Women's Health and Genetics/Laboratory Corporation of America, LabCorp
Classification: Benign. Last evaluated: 2023-10-31. Review status: criteria provided, single submitter. Criteria: LabCorp Variant Classification Summary - May 2015. Collection method: clinical testing. Allele origin: germline.
Comment: Variant summary: ALPK3 c.2431G>A (p.Glu811Lys) results in a conservative amino acid change in the encoded protein sequence. Three of three in-silico tools predict a benign effect of the variant on protein function. The variant allele was found at a frequency of 0.0049 in 250886 control chromosomes, predominantly at a frequency of 0.061 within the African or African-American subpopulation in the gnomAD database, including 31 homozygotes. The observed variant frequency within African or African-American control individuals in the gnomAD database is approximately 8.63 fold of the estimated maximal expected allele frequency for a pathogenic variant in ALPK3 causing Cardiomyopathy phenotype (0.0071), strongly suggesting that the variant is a benign polymorphism found primarily in populations of African or African-American origin. To our knowledge, no occurrence of c.2431G>A in individuals affected with Cardiomyopathy and no experimental evidence demonstrating its impact on protein function have been reported. Three submitters have cited clinical-significance assessments for this variant to ClinVar after 2014. All submitters classified the variant as benign. Based on the evidence outlined above, the variant was classified as benign.

Mayo Clinic Laboratories, Mayo Clinic
Classification: Benign. Last evaluated: 2023-04-06. Review status: criteria provided, single submitter. Criteria: ACMG Guidelines, 2015. Collection method: clinical testing. Allele origin: germline. Observed: 14 variant alleles.

Ambry Genetics
Classification: Benign for Cardiovascular phenotype. Last evaluated: 2018-12-19. Review status: criteria provided, single submitter. Criteria: Ambry Variant Classification Scheme 2023. Collection method: clinical testing. Allele origin: germline.

GeneDx
Classification: Benign. Last evaluated: 2016-10-06. Review status: criteria provided, single submitter. Criteria: GeneDx Variant Classification (06012015). Collection method: clinical testing. Allele origin: germline. Affected: yes.
Comment: This variant is considered likely benign or benign based on one or more of the following criteria: it is a conservative change, it occurs at a poorly conserved position in the protein, it is predicted to be benign by multiple in silico algorithms, and/or has population frequency not consistent with disease.

Breakthrough Genomics
Classification: Benign. Review status: criteria provided, single submitter. Criteria: ACMG Guidelines, 2015. Collection method: not provided. Allele origin: germline. Inheritance: Autosomal recessive inheritance. Affected: yes.

PreventionGenetics, part of Exact Sciences
Classification: Benign for ALPK3-related condition. Last evaluated: 2019-08-15. Review status: no assertion criteria provided. Collection method: clinical testing. Allele origin: germline. Not counted in ClinVar's aggregate classification.
Comment: This variant is classified as benign based on ACMG/AMP sequence variant interpretation guidelines (Richards et al. 2015 PMID: 25741868, with internal and published modifications).

Clinical Genetics DNA and cytogenetics Diagnostics Lab, Erasmus MC, Erasmus Medical Center
Classification: Benign. Review status: no assertion criteria provided. Collection method: clinical testing. Allele origin: germline. Affected: yes. Study: VKGL Data-share Consensus. Not counted in ClinVar's aggregate classification.

Clinical Genetics, Academic Medical Center
Classification: Benign. Review status: no assertion criteria provided. Collection method: clinical testing. Allele origin: germline. Affected: yes. Study: VKGL Data-share Consensus. Not counted in ClinVar's aggregate classification.

Laboratory of Diagnostic Genome Analysis, Leiden University Medical Center (LUMC)
Classification: Likely benign. Review status: no assertion criteria provided. Collection method: clinical testing. Allele origin: germline. Affected: yes. Study: VKGL Data-share Consensus. Not counted in ClinVar's aggregate classification.

NM_020778.5(ALPK3):c.2431G>A (p.Glu811Lys)

Gene: ALPK3 (alpha kinase 3; plus strand). Cytogenetic location: 15q25.3.
Variant type: single nucleotide variant.
Coding change: c.2431G>A on transcript NM_020778.5 (MANE Select); coding-DNA position 2431, G replaced by A.
Protein change: p.Glu811Lys; replaces glutamic acid 811 with lysine.
Molecular consequence: missense variant.
Genome position (GRCh38, 1-based): chr15:84,857,169, G>A. VCF-style: chr15-84857169-G-A. GRCh37 (hg19) VCF-style: chr15-85400400-G-A.
Other names: p.Glu1013Lys; short protein forms E1013K, E811K.
Identifiers: ClinVar variation 386370 (VCV000386370.24), dbSNP rs35633849, ClinGen allele CA7709412.
Genomic context (GRCh38, chr15:84,857,169, plus strand): 5'-CTGGGTCCCCTGTCAGGGAACCTCATGCTCCCAGCACAGCCGCCCCATGAGGGGAGTGTG[G>A]AGCAGGTGGGAGGAGAGAGATGCCGAGGGCCACAGTCATCAGGCCCAGTCGAGGCCAAGC-3'
Protein context (NP_065829.4, residues 801-821): PAQPPHEGSV[Glu811Lys]QVGGERCRGP